The following is an entry in ClinVar:

ClinVar aggregate classification (germline): Pathogenic (1 of 4 stars; one submission).

Submission:

Labcorp Genetics (formerly Invitae), Labcorp
Classification: Pathogenic. Last evaluated: 2026-01-31. Review status: criteria provided, single submitter. Criteria: Invitae Variant Classification Sherloc (09022015). Collection method: clinical testing. Allele origin: germline.
Comment: This sequence change creates a premature translational stop signal (p.Asn79Lysfs*9) in the MFAP5 gene. It is expected to result in an absent or disrupted protein product. However, the current clinical and genetic evidence is not sufficient to establish whether loss-of-function variants in MFAP5 cause disease. This variant is present in population databases (rs746355340, gnomAD 0.02%). This premature translational stop signal has been observed in individual(s) with MFAP5-related conditions (PMID: 38031457). In at least one individual the variant was observed to be de novo. ClinVar contains an entry for this variant (Variation ID: 1965449). For these reasons, this variant has been classified as Pathogenic.

Literature cited by the submitters: PubMed 38031457.

NM_003480.4(MFAP5):c.236dup (p.Asn79fs)

Gene: MFAP5 (microfibril associated protein 5; minus strand). Cytogenetic location: 12p13.31.
Variant type: Duplication.
Coding change: c.236dup on transcript NM_003480.4 (MANE Select); coding-DNA position 236, one base duplicated (A; older notation c.236dupA).
Protein change: p.Asn79fs; shifts the reading frame from asparagine 79.
Molecular consequence: frameshift variant. On other transcripts: non-coding transcript variant (1), intron variant (4).
Genome position (GRCh38, 1-based): chr12:8,651,673, T duplicated on the plus strand (A on the coding strand, the reverse complement: MFAP5 is on the minus strand); the first of 7 consecutive T bases (chr12:8,651,673-8,651,679); duplicating any one gives the same sequence. VCF-style (leftmost placement, unchanged base first): chr12-8651672-A-AT. GRCh37 (hg19) VCF-style: chr12-8804268-A-AT.
Other names: c.182-1090dup (NM_001297710.2); c.173-1090dup (NM_001297711.2); c.217+2758dup (NM_001297712.2); c.218-1090dup (NM_001297709.2); short protein forms N79fs.
Identifiers: ClinVar variation 1965449 (VCV001965449.5), dbSNP rs746355340, ClinGen allele CA6434673.